The following is an entry in ClinVar:

NM_031935.3(HMCN1):c.14323G>A (p.Gly4775Arg)

Gene: HMCN1 (hemicentin 1; plus strand). Cytogenetic location: 1q31.1.
Variant type: single nucleotide variant.
Coding change: c.14323G>A on transcript NM_031935.3 (MANE Select); coding-DNA position 14323, G replaced by A.
Protein change: p.Gly4775Arg; replaces glycine 4775 with arginine.
Molecular consequence: missense variant.
Genome position (GRCh38, 1-based): chr1:186,145,459, G>A. VCF-style: chr1-186145459-G-A. GRCh37 (hg19) VCF-style: chr1-186114591-G-A.
Other names: short protein forms G4775R.
Identifiers: ClinVar variation 294274 (VCV000294274.14), dbSNP rs147296385, ClinGen allele CA1294922.
Genomic context (GRCh38, chr1:186,145,459, plus strand): 5'-GTAGCCCATGGTAACTGGAGTCCTTGGAGTGGCTGGGGAACATGCAGCCGGACGTGTAAC[G>A]GAGGGCAGATGCGGCGGTACCGCACATGTGATAACCCTCCTCCCTCCAATGGGGGAAGAG-3'
Protein context (NP_114141.2, residues 4765-4785): GWGTCSRTCN[Gly4775Arg]GQMRRYRTCD

ClinVar aggregate classification (germline): Benign/Likely benign. Review status: criteria provided, multiple submitters, no conflicts (2 of 4 stars). 4 submissions from 4 submitters: Benign (1); Likely benign (3). Last evaluated 2025-12-30.

Conditions:
Age related macular degeneration 1 (ARMD1). Also called: MACULOPATHY, AGE-RELATED, 1. Identifiers: MedGen C1864205, MONDO:0011285, OMIM 603075.

Allele frequency attached by ClinVar (database versions not stated): ESP Exome Variant Server 0.00023; gnomAD 0.00029 and 0.00050; TOPMed 0.00038; gnomAD exomes 0.00069 and 0.00109; 1000 Genomes Project 0.00080; ExAC 0.00120; 1000 Genomes Project 30x 0.00156.
gnomAD v4.1: 1,100 of 1,608,586 alleles (0.068%); highest among the groups gnomAD compares: South Asian, 0.64%; 10 homozygotes.

Submissions (4):

Labcorp Genetics (formerly Invitae), Labcorp
Classification: Benign. Last evaluated: 2025-12-30. Review status: criteria provided, single submitter. Criteria: Invitae Variant Classification Sherloc (09022015). Collection method: clinical testing. Allele origin: germline.

Blueprint Genetics
Classification: Likely benign. Last evaluated: 2024-11-20. Review status: criteria provided, single submitter. Criteria: ACMG Guidelines, 2015. Collection method: clinical testing. Allele origin: germline.

Genome-Nilou Lab
Classification: Likely benign for Age related macular degeneration 1. Last evaluated: 2023-04-11. Review status: criteria provided, single submitter. Criteria: ACMG Guidelines, 2015. Collection method: clinical testing. Allele origin: germline. Affected: no.

Illumina Laboratory Services, Illumina
Classification: Likely benign for Age related macular degeneration 1. Last evaluated: 2018-01-12. Review status: criteria provided, single submitter. Criteria: ICSL Variant Classification Criteria 13 December 2019. Collection method: clinical testing. Allele origin: germline.
Comment: This variant was observed in the ICSL laboratory as part of a predisposition screen in an ostensibly healthy population. It had not been previously curated by ICSL or reported in the Human Gene Mutation Database (HGMD: prior to June 1st, 2018), and was therefore a candidate for classification through an automated scoring system. Utilizing variant allele frequency, disease prevalence and penetrance estimates, and inheritance mode, an automated score was calculated to assess if this variant is too frequent to cause the disease. Based on the score and internal cut-off values, a variant classified as likely benign is not then subjected to further curation. The score for this variant resulted in a classification of likely benign for this disease.